The following is an entry in ClinVar:

NM_198859.4(PRICKLE2):c.1512G>C (p.Glu504Asp)

Gene: PRICKLE2 (prickle planar cell polarity protein 2; minus strand). Cytogenetic location: 3p14.1.
Variant type: single nucleotide variant.
Coding change: c.1512G>C on transcript NM_198859.4 (MANE Select); coding-DNA position 1512, G replaced by C.
Protein change: p.Glu504Asp; replaces glutamic acid 504 with aspartic acid.
Molecular consequence: missense variant.
Genome position (GRCh38, 1-based): chr3:64,146,978, C>G on the plus strand (G>C on the coding strand, the complement: PRICKLE2 is on the minus strand). VCF-style: chr3-64146978-C-G. GRCh37 (hg19) VCF-style: chr3-64132654-C-G.
Other names: c.1512G>C, p.Glu504Asp (NM_001370528.1); short protein forms E504D.
Identifiers: ClinVar variation 2905419 (VCV002905419.3), dbSNP rs1394961962, ClinGen allele CA353429108.

ClinVar aggregate classification (germline): Uncertain significance (1 of 4 stars; one submission).

Conditions:
Progressive myoclonic epilepsy type 5. Identifiers: Orphanet 402082, MedGen C5190799.

Allele frequency attached by ClinVar (database versions not stated): TOPMed below 0.00001.
gnomAD v4.1: 2 of 1,614,076 alleles (0.00012%); highest among the groups gnomAD compares: African/African-American, 0.0013%; no homozygotes.

Submission:

Labcorp Genetics (formerly Invitae), Labcorp
Classification: Uncertain significance for Progressive myoclonic epilepsy type 5. Last evaluated: 2023-01-20. Review status: criteria provided, single submitter. Criteria: Invitae Variant Classification Sherloc (09022015). Collection method: clinical testing. Allele origin: germline.
Comment: In summary, the available evidence is currently insufficient to determine the role of this variant in disease. Therefore, it has been classified as a Variant of Uncertain Significance. Advanced modeling of protein sequence and biophysical properties (such as structural, functional, and spatial information, amino acid conservation, physicochemical variation, residue mobility, and thermodynamic stability) performed at Invitae indicates that this missense variant is not expected to disrupt PRICKLE2 protein function. This variant has not been reported in the literature in individuals affected with PRICKLE2-related conditions. This variant is not present in population databases (gnomAD no frequency). This sequence change replaces glutamic acid, which is acidic and polar, with aspartic acid, which is acidic and polar, at codon 504 of the PRICKLE2 protein (p.Glu504Asp).